The following is an entry in ClinVar:

NM_001252024.2(TRPM1):c.919G>T (p.Ala307Ser)

Gene: TRPM1 (transient receptor potential cation channel subfamily M member 1; minus strand). Cytogenetic location: 15q13.3.
Variant type: single nucleotide variant.
Coding change: c.919G>T on transcript NM_001252024.2 (MANE Select); coding-DNA position 919, G replaced by T.
Protein change: p.Ala307Ser; replaces alanine 307 with serine.
Molecular consequence: missense variant.
Genome position (GRCh38, 1-based): chr15:31,063,164, C>A on the plus strand (G>T on the coding strand, the complement: TRPM1 is on the minus strand). VCF-style: chr15-31063164-C-A. GRCh37 (hg19) VCF-style: chr15-31355367-C-A.
Other names: c.970G>T, p.Ala324Ser (NM_001252020.2); c.853G>T, p.Ala285Ser (NM_002420.6); short protein forms A307S, A285S, A324S.
Identifiers: ClinVar variation 849617 (VCV000849617.10), dbSNP rs2034280555, ClinGen allele CA391528321.

ClinVar aggregate classification (germline): Uncertain significance (1 of 4 stars; one submission).

Allele frequency attached by ClinVar (database versions not stated): TOPMed below 0.00001; gnomAD 0.00001; gnomAD exomes 0.00001.
gnomAD v4.1: 10 of 1,614,104 alleles (0.00062%); highest among the groups gnomAD compares: Middle Eastern, 0.016%; no homozygotes.

Submission:

Labcorp Genetics (formerly Invitae), Labcorp
Classification: Uncertain significance. Last evaluated: 2020-12-10. Review status: criteria provided, single submitter. Criteria: Invitae Variant Classification Sherloc (09022015). Collection method: clinical testing. Allele origin: germline.
Comment: This sequence change replaces alanine with serine at codon 285 of the TRPM1 protein (p.Ala285Ser). The alanine residue is highly conserved and there is a moderate physicochemical difference between alanine and serine. This variant is not present in population databases (ExAC no frequency). This variant has not been reported in the literature in individuals with TRPM1-related conditions. Algorithms developed to predict the effect of missense changes on protein structure and function (SIFT, PolyPhen-2, Align-GVGD) all suggest that this variant is likely to be disruptive, but these predictions have not been confirmed by published functional studies and their clinical significance is uncertain. In summary, the available evidence is currently insufficient to determine the role of this variant in disease. Therefore, it has been classified as a Variant of Uncertain Significance.